The following is an entry in ClinVar:

NM_017780.4(CHD7):c.4421A>T (p.Asp1474Val)

Gene: CHD7 (chromodomain helicase DNA binding protein 7; plus strand). Cytogenetic location: 8q12.2.
Variant type: single nucleotide variant.
Coding change: c.4421A>T on transcript NM_017780.4 (MANE Select); coding-DNA position 4421, A replaced by T.
Protein change: p.Asp1474Val; replaces aspartic acid 1474 with valine.
Molecular consequence: missense variant. On other transcripts: intron variant (1).
Genome position (GRCh38, 1-based): chr8:60,838,143, A>T. VCF-style: chr8-60838143-A-T. GRCh37 (hg19) VCF-style: chr8-61750702-A-T.
Other names: c.1717-24086A>T (NM_001316690.1); short protein forms D1474V.
Identifiers: ClinVar variation 4528130 (VCV004528130.1).

ClinVar aggregate classification (germline): Uncertain significance (1 of 4 stars; one submission).

gnomAD v4.1: 1 of 1,565,002 alleles (0.000064%); highest among the groups gnomAD compares: Non-Finnish European, 0.000087%; no homozygotes.

Submission:

GeneDx
Classification: Uncertain significance. Last evaluated: 2025-05-03. Review status: criteria provided, single submitter. Criteria: GeneDx Variant Classification Process June 2021. Collection method: clinical testing. Allele origin: germline. Affected: yes.
Comment: Not observed at significant frequency in large population cohorts (gnomAD); In silico analysis supports that this missense variant has a deleterious effect on protein structure/function; Has not been previously published as pathogenic or benign to our knowledge